The following is an entry in ClinVar:

NM_001829.4(CLCN3):c.2242C>T (p.Pro748Ser)

Gene: CLCN3 (chloride voltage-gated channel 3; plus strand). Cytogenetic location: 4q33.
Variant type: single nucleotide variant.
Coding change: c.2242C>T on transcript NM_001829.4 (MANE Select); coding-DNA position 2242, C replaced by T.
Protein change: p.Pro748Ser; replaces proline 748 with serine.
Molecular consequence: missense variant.
Genome position (GRCh38, 1-based): chr4:169,713,171, C>T. VCF-style: chr4-169713171-C-T. GRCh37 (hg19) VCF-style: chr4-170634322-C-T.
Other names: c.2161C>T, p.Pro721Ser (NM_001243372.2, NM_001243374.2); c.2242C>T, p.Pro748Ser (NM_173872.4); short protein forms P721S, P748S.
Identifiers: ClinVar variation 3257734 (VCV003257734.1).
Genomic context (GRCh38, chr4:169,713,171, plus strand): 5'-GGCAGTTCTCGGGTGTGTTTTGCACAGCACACCCCATCTCTTCCAGCAGAAAGTCCTCGG[C>T]CATTGAAGCTTCGAAGCATTCTTGACATGAGCCCTTTTACAGTGACAGACCACACCCCAA-3'
Protein context (NP_001820.2, residues 738-758): TPSLPAESPR[Pro748Ser]LKLRSILDMS

ClinVar aggregate classification (germline): Uncertain significance (1 of 4 stars; one submission).

Conditions:
Neurodevelopmental disorder with hypotonia and brain abnormalities. Identifiers: MedGen C5561977, MONDO:0859187, OMIM 619512.

gnomAD v4.1: 1 of 1,614,092 alleles (0.000062%); highest among the groups gnomAD compares: Non-Finnish European, 0.000085%; no homozygotes.

Submission:

Institute of Immunology and Genetics Kaiserslautern
Classification: Uncertain significance for Neurodevelopmental disorder with hypotonia and brain abnormalities. Last evaluated: 2024-07-26. Review status: criteria provided, single submitter. Criteria: ACMG Guidelines, 2015. Collection method: clinical testing. Allele origin: germline. Affected: yes.
Comment: ACMG Criteria: PM2_P; Variant was found in heterozygous state